The following is an entry in ClinVar:

ClinVar aggregate classification (germline): Likely pathogenic (1 of 4 stars; one submission).

Conditions:
Primary ciliary dyskinesia 3. Identifiers: Orphanet 244, MedGen C1837618, MONDO:0012085, OMIM 608644.

Submission:

Myriad Genetics, Inc.
Classification: Likely pathogenic for Primary ciliary dyskinesia 3. Last evaluated: 2021-12-31. Review status: criteria provided, single submitter. Criteria: Myriad Women's Health Autosomal Recessive and X-Linked Classification Criteria (2021). Collection method: clinical testing. Allele origin: unknown.
Comment: NM_001369.2(DNAH5):c.1303_1304ins5(A435Efs*6) is expected to be pathogenic in the context of DNAH5-related primary ciliary dyskinesia. This variant is predicted to lead to an abnormal or absent protein product due to the creation of a premature termination codon in DNAH5, a gene where loss-of-function variants are known to be pathogenic. Please note: this variant was assessed in the context of healthy population screening.

NM_001369.3(DNAH5):c.1303_1304insAGTGT (p.Ala435fs)

Gene: DNAH5 (dynein axonemal heavy chain 5; minus strand). Cytogenetic location: 5p15.2.
Variant type: Insertion.
Coding change: c.1303_1304insAGTGT on transcript NM_001369.3 (MANE Select); coding-DNA positions 1303 to 1304, AGTGT inserted.
Protein change: p.Ala435fs; shifts the reading frame from alanine 435.
Molecular consequence: frameshift variant.
Genome position: GRCh38 VCF-style: chr5-13914536-G-GACACT. GRCh37 (hg19) VCF-style: chr5-13914645-G-GACACT.
Other names: short protein forms A435fs.
Identifiers: ClinVar variation 1726724 (VCV001726724.2), dbSNP rs2547129460, ClinGen allele CA2580072086.